The following is an entry in ClinVar:

NM_138413.4(HOGA1):c.673_676del (p.Gly225fs)

Gene: HOGA1 (4-hydroxy-2-oxoglutarate aldolase 1; plus strand). Cytogenetic location: 10q24.2.
Variant type: Microsatellite.
Coding change: c.673_676del on transcript NM_138413.4 (MANE Select); coding-DNA positions 673 to 676, 4 bases deleted (GGCT; older notation c.673_676delGGCT).
Protein change: p.Gly225fs; shifts the reading frame from glycine 225.
Molecular consequence: frameshift variant. On other transcripts: intron variant (1).
Genome position (GRCh38, 1-based): chr10:97,600,136-97,600,139, GGCT deleted; deleting any 4 consecutive bases within chr10:97,600,132-97,600,139 gives the same sequence; the c. name uses the placement nearest the transcript's 3' end. VCF-style (leftmost placement, unchanged base first): chr10-97600131-CGGCT-C. GRCh37 (hg19) VCF-style: chr10-99359888-CGGCT-C.
Other names: c.212-1721_212-1718del (NM_001134670.2); short protein forms G225fs.
Identifiers: ClinVar variation 5004115 (VCV005004115.1).

ClinVar aggregate classification (germline): Pathogenic (1 of 4 stars; one submission).

Conditions:
Primary hyperoxaluria type 3. Also called: PH III. Identifiers: Orphanet 416, Orphanet 93600, MedGen C3150878, MONDO:0013327, OMIM 613616. Disease mechanism: loss of function.

Submission:

Myriad Genetics, Inc.
Classification: Pathogenic for Primary hyperoxaluria type 3. Last evaluated: 2025-08-08. Review status: criteria provided, single submitter. Criteria: Myriad Autosomal Dominant, Autosomal Recessive and X-Linked Classification Criteria (2023). Collection method: clinical testing. Allele origin: unknown.
Comment: NM_138413.3(HOGA1):c.673_676delGGCT(G225Ffs*2) is a frameshift variant classified as pathogenic in the context of primary hyperoxaluria type 3. G225Ffs*2 has not been observed in cases with relevant disease. Relevant functional assessments of this variant are not available in the literature. G225Ffs*2 has not been observed in referenced population frequency databases. In summary, NM_138413.3(HOGA1):c.673_676delGGCT(G225Ffs*2) is a frameshift variant in a gene where loss of function is a known mechanism of disease and is predicted to disrupt protein function. Please note: this variant was assessed in the context of healthy population screening.